The following is an entry in ClinVar:

ClinVar aggregate classification (germline): Uncertain significance (1 of 4 stars; one submission).

Conditions:
Hereditary cancer-predisposing syndrome. Also called: Tumor predisposition; Hereditary Cancer Syndrome; Hereditary neoplastic syndrome; Neoplastic Syndromes, Hereditary. Identifiers: Orphanet 140162, MedGen C0027672, MeSH D009386, MONDO:0015356.

Allele frequency attached by ClinVar (database versions not stated): TOPMed 0.00001.

Submission:

Ambry Genetics
Classification: Uncertain significance for Hereditary cancer-predisposing syndrome. Last evaluated: 2023-08-26. Review status: criteria provided, single submitter. Criteria: Ambry Variant Classification Scheme 2023. Collection method: clinical testing. Allele origin: germline.
Comment: The p.S402A variant (also known as c.1204T>G), located in coding exon 8 of the MEN1 gene, results from a T to G substitution at nucleotide position 1204. The serine at codon 402 is replaced by alanine, an amino acid with similar properties. This amino acid position is conserved. In addition, the in silico prediction for this alteration is inconclusive. Since supporting evidence is limited at this time, the clinical significance of this alteration remains unclear.

NM_001370259.2(MEN1):c.1204T>G (p.Ser402Ala)

Gene: MEN1 (menin 1; minus strand). Cytogenetic location: 11q13.1.
Variant type: single nucleotide variant.
Coding change: c.1204T>G on transcript NM_001370259.2 (MANE Select); coding-DNA position 1204, T replaced by G.
Protein change: p.Ser402Ala; replaces serine 402 with alanine.
Molecular consequence: missense variant. On other transcripts: non-coding transcript variant (4), intron variant (1).
Genome position (GRCh38, 1-based): chr11:64,805,180, A>C on the plus strand (T>G on the coding strand, the complement: MEN1 is on the minus strand). VCF-style: chr11-64805180-A-C. GRCh37 (hg19) VCF-style: chr11-64572652-A-C.
Other names: c.1219T>G, p.Ser407Ala (NM_000244.4, NM_001407145.1, NM_130800.3 and 4 more transcripts); c.1330T>G, p.Ser444Ala (NM_001370251.2, NM_001407142.1, NM_001407143.1 and 1 more transcripts); c.1204T>G, p.Ser402Ala (NM_001370260.2, NM_001370261.2, NM_001407146.1 and 2 more transcripts); c.1099T>G, p.Ser367Ala (NM_001370262.2, NM_001370263.2, NM_001407148.1 and 1 more transcripts); c.1345T>G, p.Ser449Ala (NM_001407150.1); c.1225T>G, p.Ser409Ala (NM_001407151.1); c.1186-364T>G (NM_001407152.1); short protein forms S449A, S402A, S407A, S444A, S367A, S409A.
Identifiers: ClinVar variation 2626599 (VCV002626599.2), dbSNP rs1175968487, ClinGen allele CA381180767.